The following is an entry in ClinVar:

NM_000551.4(VHL):c.212_213dup (p.Ser72fs)

Gene: VHL (von Hippel-Lindau tumor suppressor; plus strand). Cytogenetic location: 3p25.3.
Variant type: Duplication.
Coding change: c.212_213dup on transcript NM_000551.4 (MANE Select); coding-DNA positions 212 to 213, 2 bases duplicated (CC; older notation c.212_213dupCC).
Protein change: p.Ser72fs; shifts the reading frame from serine 72.
Molecular consequence: frameshift variant.
Genome position (GRCh38, 1-based): chr3:10,142,059-10,142,060, CC duplicated; duplicating any 2 consecutive bases within chr3:10,142,058-10,142,060 gives the same sequence; the c. name uses the placement nearest the transcript's 3' end. VCF-style (leftmost placement, unchanged base first): chr3-10142057-G-GCC. GRCh37 (hg19) VCF-style: chr3-10183741-G-GCC.
Other names: c.212_213dup, p.Ser72fs (NM_001354723.2, NM_198156.3); c.212_213dupCC (NM_000551.3); short protein forms S72fs.
Identifiers: ClinVar variation 1786236 (VCV001786236.2), dbSNP rs2470158104, ClinGen allele CA2580068397.
Genomic context (GRCh38, chr3:10,142,057, plus strand): 5'-CGAGGAGGAGATGGAGGCCGGGCGGCCGCGGCCCGTGCTGCGCTCGGTGAACTCGCGCGA[G>GCC]CCCTCCCAGGTCATCTTCTGCAATCGCAGTCCGCGCGTCGTGCTGCCCGTATGGCTCAAC-3'

ClinVar aggregate classification (germline): Pathogenic (1 of 4 stars; one submission).

Conditions:
Hereditary cancer-predisposing syndrome. Also called: Neoplastic Syndromes, Hereditary; Tumor predisposition; Hereditary Cancer Syndrome; Hereditary neoplastic syndrome. Identifiers: Orphanet 140162, MedGen C0027672, MeSH D009386, MONDO:0015356.

Submission:

Ambry Genetics
Classification: Pathogenic for Hereditary cancer-predisposing syndrome. Last evaluated: 2014-10-20. Review status: criteria provided, single submitter. Criteria: Ambry Variant Classification Scheme 2023. Collection method: clinical testing. Allele origin: germline.
Comment: The c.212_213dupCC pathogenic mutation, located in coding exon 1 of the VHL gene, results from a duplication of CC at nucleotide position 212, causing a translational frameshift with a predicted alternate stop codon. Since frameshifts are typically deleterious in nature, this alteration is interpreted as a disease-causing mutation (ACMG Recommendations for Standards for Interpretation and Reporting of Sequence Variations. Revision 2007. Genet Med. 2008;10:294).